The following is an entry in ClinVar:

NM_003001.5(SDHC):c.254T>C (p.Phe85Ser)

Gene: SDHC (succinate dehydrogenase complex subunit C; plus strand). Cytogenetic location: 1q23.3.
Variant type: single nucleotide variant.
Coding change: c.254T>C on transcript NM_003001.5 (MANE Select); coding-DNA position 254, T replaced by C.
Protein change: p.Phe85Ser; replaces phenylalanine 85 with serine.
Molecular consequence: missense variant. On other transcripts: non-coding transcript variant (1), intron variant (3).
Genome position (GRCh38, 1-based): chr1:161,356,689, T>C. VCF-style: chr1-161356689-T-C. GRCh37 (hg19) VCF-style: chr1-161326479-T-C.
Other names: c.152T>C, p.Phe51Ser (NM_001035512.3); c.95T>C, p.Phe32Ser (NM_001035513.3); c.374T>C, p.Phe125Ser (NM_001407115.1); c.197T>C, p.Phe66Ser (NM_001407116.1); c.191T>C, p.Phe64Ser (NM_001407117.1); c.146T>C, p.Phe49Ser (NM_001407118.1); c.143T>C, p.Phe48Ser (NM_001407119.1, NM_001407120.1); c.242-5640T>C (NM_001035511.3); and 2 more; short protein forms F32S, F51S, F85S, F125S, F48S, F66S, F49S, F64S.
Identifiers: ClinVar variation 1443104 (VCV001443104.9), dbSNP rs1672284859, ClinGen allele CA343456247.

ClinVar aggregate classification (germline): Uncertain significance (1 of 4 stars; one submission).

Conditions:
Gastrointestinal stromal tumor. Also called: Gastrointestinal stroma tumor; Gastrointestinal stromal tumor, somatic. Identifiers: Orphanet 44890, MedGen C0238198, MeSH D046152, MONDO:0011719, OMIM 606764, HP:0100723.
Pheochromocytoma/paraganglioma syndrome 3. Also called: GLOMUS TUMORS, FAMILIAL, 3; SDHC-Related Hereditary Paraganglioma-Pheochromocytoma Syndrome; Paragangliomas 3; SDHC-Related Hereditary Paraganglioma-Pheochromocytoma Syndrome (Paragangliomas 3). Identifiers: Orphanet 29072, MedGen C1854336, MONDO:0011544, OMIM 605373.

Submission:

Labcorp Genetics (formerly Invitae), Labcorp
Classification: Uncertain significance for Pheochromocytoma/paraganglioma syndrome 3; Gastrointestinal stromal tumor. Last evaluated: 2023-02-21. Review status: criteria provided, single submitter. Criteria: Invitae Variant Classification Sherloc (09022015). Collection method: clinical testing. Allele origin: germline.
Comment: ClinVar contains an entry for this variant (Variation ID: 1443104). This variant has not been reported in the literature in individuals affected with SDHC-related conditions. This variant is not present in population databases (gnomAD no frequency). This sequence change replaces phenylalanine, which is neutral and non-polar, with serine, which is neutral and polar, at codon 85 of the SDHC protein (p.Phe85Ser). In summary, the available evidence is currently insufficient to determine the role of this variant in disease. Therefore, it has been classified as a Variant of Uncertain Significance. An algorithm developed to predict the effect of missense changes on protein structure and function (PolyPhen-2) suggests that this variant is likely to be disruptive.